The following is an entry in ClinVar:

ClinVar aggregate classification (germline): Uncertain significance (1 of 4 stars; one submission).

Allele frequency attached by ClinVar (database versions not stated): TOPMed 0.00002; gnomAD exomes below 0.00001 and 0.00001; gnomAD 0.00001.
gnomAD v4.1: 11 of 1,529,252 alleles (0.00072%); highest among the groups gnomAD compares: Admixed American, 0.016%; no homozygotes.

Submission:

Labcorp Genetics (formerly Invitae), Labcorp
Classification: Uncertain significance. Last evaluated: 2022-06-13. Review status: criteria provided, single submitter. Criteria: Invitae Variant Classification Sherloc (09022015). Collection method: clinical testing. Allele origin: germline.
Comment: This sequence change replaces isoleucine, which is neutral and non-polar, with phenylalanine, which is neutral and non-polar, at codon 356 of the POC1B protein (p.Ile356Phe). This variant is present in population databases (no rsID available, gnomAD 0.004%). This variant has not been reported in the literature in individuals affected with POC1B-related conditions. Algorithms developed to predict the effect of missense changes on protein structure and function are either unavailable or do not agree on the potential impact of this missense change (SIFT: "Deleterious"; PolyPhen-2: "Benign"; Align-GVGD: "Class C0"). In summary, the available evidence is currently insufficient to determine the role of this variant in disease. Therefore, it has been classified as a Variant of Uncertain Significance.

NM_172240.3(POC1B):c.1066A>T (p.Ile356Phe)

Genes: POC1B (POC1 centriolar protein B; minus strand), POC1B-DUSP6 (POC1B-DUSP6 readthrough; minus strand). Cytogenetic location: 12q21.33.
Variant type: single nucleotide variant.
Coding change: c.1066A>T on transcript NM_172240.3 (MANE Select); coding-DNA position 1066, A replaced by T.
Protein change: p.Ile356Phe; replaces isoleucine 356 with phenylalanine.
Molecular consequence: missense variant. On other transcripts: non-coding transcript variant (2).
Genome position (GRCh38, 1-based): chr12:89,459,685, T>A on the plus strand (A>T on the coding strand, the complement: POC1B is on the minus strand). VCF-style: chr12-89459685-T-A. GRCh37 (hg19) VCF-style: chr12-89853462-T-A.
Other names: c.940A>T, p.Ile314Phe (NM_001199777.2); short protein forms I356F, I314F.
Identifiers: ClinVar variation 1380680 (VCV001380680.5), dbSNP rs941942035, ClinGen allele CA241194608.